The following continues an entry in ClinVar:

NM_000551.4(VHL):c.256C>T (p.Pro86Ser)

Gene: VHL. ClinVar aggregate classification (germline): Pathogenic/Likely pathogenic. Pathogenic (8); Likely pathogenic (1).

Submissions 8 to 10 of 10:

Women's Health and Genetics/Laboratory Corporation of America, LabCorp
Classification: Pathogenic for Von Hippel-Lindau syndrome. Last evaluated: 2016-01-29. Review status: criteria provided, single submitter. Criteria: LabCorp Variant Classification Summary - May 2015. Collection method: clinical testing. Allele origin: germline.
Comment: Variant summary: This c.256C>T variant affects a conserved nucleotide, resulting in amino acid change from Pro to Ser in HIFalfa domain of VHL protein. 5/5 in-silico tools predict this variant to be damaging. The variant is absent from the large, broad ExAC control population. In literature, this variant has been reported multiple independent patients with Von Hippel-Lindau disease or related cancers, and has been shown to segregate with disease in at least one family. Other missense changes at this codon are also reported in association VHL disease, namely p.P86R, p.P86L and p.P86A, suggesting that this codon is likely to be a mutational hot-spot. One clinical lab (via ClinVar) and one reputable database classify this variant as pathogenic/likley pathogenic. Taken together, this variant has been classified as a Pathogenic.

Laboratory for Molecular Medicine, Mass General Brigham Personalized Medicine
Classification: Likely pathogenic for Von Hippel-Lindau syndrome. Last evaluated: 2013-02-19. Review status: criteria provided, single submitter. Criteria: LMM Criteria. Collection method: clinical testing. Allele origin: germline. Inheritance: Autosomal dominant inheritance. Observed: 1 variant allele.
Comment: The Pro86Ser variant in VHL has been reported in 12 individuals with clinical fe atures of Von Hippel-Lindau syndrome, was absent from 276 control chromosomes, a nd segregated with disease in four affected family members across three families (Whaley 1994, Kondo 1995, Olschwang 1998, Dollfus 2002, Elii 2006, Ong 2007, Co rcos 2008, Ciotti 2009, Wu 2012). Computational analyses (biochemical amino acid properties, AlignGVGD, PolyPhen2, and SIFT) do not provide strong support for o r against an impact to the protein, however, proline (Pro) at position 86 is hig hly conserved across evolutionarily distant species, suggesting that a change to this position may not be tolerated. In addition, other variants at this positio n (Pro86Ala, Pro86Leu, Pro86Arg, and Pro86His) have been identified in patients with the clinical features of Von Hippel-Lindau syndrome (HGMD database, UMD dat abase). In summary, this variant is likely to be pathogenic, though additional s tudies are required to fully establish its clinical significance.

Genomic Diagnostic Laboratory, Division of Genomic Diagnostics, Children's Hospital of Philadelphia
Classification: Pathogenic for Von Hippel-Lindau syndrome. Last evaluated: 2016-02-26. Review status: no assertion criteria provided. Collection method: clinical testing. Allele origin: germline. Affected: yes. Observed: 14 variant alleles. Not counted in ClinVar's aggregate classification.

Literature cited by the submitters: PubMed 8634692 (cited by Labcorp Genetics (formerly Invitae), Labcorp and Ambry Genetics); PubMed 9829912 (cited by 4 submitters); PubMed 19464396 (cited by 4 submitters); PubMed 27057652 (cited by 3 submitters); PubMed 27527340 (cited by Labcorp Genetics (formerly Invitae), Labcorp); PubMed 7728151 (cited by Labcorp Genetics (formerly Invitae), Labcorp); PubMed 9829911 (cited by Labcorp Genetics (formerly Invitae), Labcorp); PubMed 11257211 (cited by Labcorp Genetics (formerly Invitae), Labcorp and Ambry Genetics); PubMed 17024664 (cited by 4 submitters); PubMed 19408298 (cited by Labcorp Genetics (formerly Invitae), Labcorp); PubMed 18836774 (cited by Institute for Genomic Medicine (IGM) Clinical Laboratory, Nationwide Children's Hospital); PubMed 16952288 (cited by 3 submitters); PubMed 18580449 (cited by 4 submitters); PubMed 22357542 (cited by 3 submitters); PubMed 23660872 (cited by Institute for Genomic Medicine (IGM) Clinical Laboratory, Nationwide Children's Hospital and Ambry Genetics); PubMed 25562111 (cited by Institute for Genomic Medicine (IGM) Clinical Laboratory, Nationwide Children's Hospital and Ambry Genetics); PubMed 10823831 (cited by Ambry Genetics); PubMed 12202531 (cited by 3 submitters); PubMed 15300849 (cited by Ambry Genetics); PubMed 20151405 (cited by Ambry Genetics and Women's Health and Genetics/Laboratory Corporation of America, LabCorp); PubMed 7553625 (cited by Ambry Genetics); PubMed 7977367 (cited by Ambry Genetics and Laboratory for Molecular Medicine, Mass General Brigham Personalized Medicine); PubMed 8956040 (cited by Ambry Genetics).